The following is an entry in ClinVar:

ClinVar aggregate classification (germline): Uncertain significance (1 of 4 stars; one submission).

Conditions:
Brugada syndrome. Also called: Sudden unexpected nocturnal death syndrome; Sudden unexplained nocturnal death syndrome; Sudden Unexplained Death Syndrome; Sudden Unexplained Nocturnal Death Syndrome (SUNDS). Identifiers: Orphanet 130, MedGen C1142166, MONDO:0015263.

Allele frequency attached by ClinVar (database versions not stated): TOPMed below 0.00001.

Submission:

Labcorp Genetics (formerly Invitae), Labcorp
Classification: Uncertain significance for Brugada syndrome. Last evaluated: 2023-12-13. Review status: criteria provided, single submitter. Criteria: Invitae Variant Classification Sherloc (09022015). Collection method: clinical testing. Allele origin: germline.
Comment: This sequence change creates a premature translational stop signal (p.Arg189*) in the GPD1L gene. It is expected to result in an absent or disrupted protein product. However, the current clinical and genetic evidence is not sufficient to establish whether loss-of-function variants in GPD1L cause disease. This variant is not present in population databases (gnomAD no frequency). This premature translational stop signal has been observed in individual(s) with clinical features of GPD1L-related conditions (PMID: 29077258). In summary, the available evidence is currently insufficient to determine the role of this variant in disease. Therefore, it has been classified as a Variant of Uncertain Significance.

Literature cited by the submitters: PubMed 29077258.

NM_015141.4(GPD1L):c.565C>T (p.Arg189Ter)

Gene: GPD1L (glycerol-3-phosphate dehydrogenase 1 like; plus strand). Cytogenetic location: 3p22.3.
Variant type: single nucleotide variant.
Coding change: c.565C>T on transcript NM_015141.4 (MANE Select); coding-DNA position 565, C replaced by T.
Protein change: p.Arg189Ter; replaces arginine 189 with a stop codon.
Molecular consequence: nonsense.
Genome position (GRCh38, 1-based): chr3:32,146,681, C>T. VCF-style: chr3-32146681-C-T. GRCh37 (hg19) VCF-style: chr3-32188173-C-T.
Other names: short protein forms R189*.
Identifiers: ClinVar variation 2760734 (VCV002760734.3), dbSNP rs982730623, ClinGen allele CA72519857.